The following is an entry in ClinVar:

ClinVar aggregate classification (germline): Uncertain significance (1 of 4 stars; one submission).

Conditions:
Autosomal dominant nonsyndromic hearing loss 1. Also called: KONIGSMARK SYNDROME; DEAFNESS, AUTOSOMAL DOMINANT 1, WITH OR WITHOUT THROMBOCYTOPENIA. Identifiers: Orphanet 90635, MedGen C1852282, MONDO:0007424, OMIM 124900.
Progressive microcephaly-seizures-cortical blindness-developmental delay syndrome. Also called: Seizures, cortical blindness, and microcephaly syndrome. Identifiers: Orphanet 477814, MedGen C5567650, MONDO:0014714, OMIM 616632.

gnomAD v4.1: 1 of 1,614,068 alleles (0.000062%); highest among the groups gnomAD compares: East Asian, 0.0022%; no homozygotes.

Submission:

Labcorp Genetics (formerly Invitae), Labcorp
Classification: Uncertain significance for Progressive microcephaly-seizures-cortical blindness-developmental delay syndrome; Autosomal dominant nonsyndromic hearing loss 1. Last evaluated: 2024-07-17. Review status: criteria provided, single submitter. Criteria: Invitae Variant Classification Sherloc (09022015). Collection method: clinical testing. Allele origin: germline.
Comment: This sequence change replaces lysine, which is basic and polar, with arginine, which is basic and polar, at codon 303 of the DIAPH1 protein (p.Lys303Arg). This variant is not present in population databases (gnomAD no frequency). This variant has not been reported in the literature in individuals affected with DIAPH1-related conditions. Experimental studies and prediction algorithms are not available or were not evaluated, and the functional significance of this variant is currently unknown. In summary, the available evidence is currently insufficient to determine the role of this variant in disease. Therefore, it has been classified as a Variant of Uncertain Significance.

NM_005219.5(DIAPH1):c.908A>G (p.Lys303Arg)

Gene: DIAPH1 (diaphanous related formin 1; minus strand). Cytogenetic location: 5q31.3.
Variant type: single nucleotide variant.
Coding change: c.908A>G on transcript NM_005219.5 (MANE Select); coding-DNA position 908, A replaced by G.
Protein change: p.Lys303Arg; replaces lysine 303 with arginine.
Molecular consequence: missense variant.
Genome position (GRCh38, 1-based): chr5:141,579,113, T>C on the plus strand (A>G on the coding strand, the complement: DIAPH1 is on the minus strand). VCF-style: chr5-141579113-T-C. GRCh37 (hg19) VCF-style: chr5-140958680-T-C.
Other names: c.881A>G, p.Lys294Arg (NM_001079812.3); c.908A>G, p.Lys303Arg (NM_001314007.2); short protein forms K294R, K303R.
Identifiers: ClinVar variation 3750411 (VCV003750411.2).